The following is an entry in ClinVar:

ClinVar aggregate classification (germline): Uncertain significance (1 of 4 stars; one submission).

Submission:

Labcorp Genetics (formerly Invitae), Labcorp
Classification: Uncertain significance. Last evaluated: 2022-03-11. Review status: criteria provided, single submitter. Criteria: Invitae Variant Classification Sherloc (09022015). Collection method: clinical testing. Allele origin: germline.
Comment: In summary, the available evidence is currently insufficient to determine the role of this variant in disease. Therefore, it has been classified as a Variant of Uncertain Significance. Algorithms developed to predict the effect of missense changes on protein structure and function are either unavailable or do not agree on the potential impact of this missense change (SIFT: "Deleterious"; PolyPhen-2: "Not Available"; Align-GVGD: "Class C0"). This variant has not been reported in the literature in individuals affected with COL7A1-related conditions. This variant is not present in population databases (gnomAD no frequency). This sequence change replaces leucine, which is neutral and non-polar, with proline, which is neutral and non-polar, at codon 333 of the COL7A1 protein (p.Leu333Pro).

NM_000094.4(COL7A1):c.998T>C (p.Leu333Pro)

Gene: COL7A1 (collagen type VII alpha 1 chain; minus strand). Cytogenetic location: 3p21.31.
Variant type: single nucleotide variant.
Coding change: c.998T>C on transcript NM_000094.4 (MANE Select); coding-DNA position 998, T replaced by C.
Protein change: p.Leu333Pro; replaces leucine 333 with proline.
Molecular consequence: missense variant.
Genome position (GRCh38, 1-based): chr3:48,592,446, A>G on the plus strand (T>C on the coding strand, the complement: COL7A1 is on the minus strand). VCF-style: chr3-48592446-A-G. GRCh37 (hg19) VCF-style: chr3-48629879-A-G.
Other names: short protein forms L333P.
Identifiers: ClinVar variation 1386506 (VCV001386506.6), dbSNP rs2107793377, ClinGen allele CA352739104.